The following is an entry in ClinVar:

ClinVar aggregate classification (germline): Uncertain significance (1 of 4 stars; one submission).

Submission:

GeneDx
Classification: Uncertain significance. Last evaluated: 2026-02-17. Review status: criteria provided, single submitter. Criteria: GeneDx Variant Classification Process June 2021. Collection method: clinical testing. Allele origin: germline.
Comment: Not observed at significant frequency in large population cohorts (gnomAD); In silico analysis supports that this missense variant has a deleterious effect on protein structure/function; Has not been previously published as pathogenic or benign to our knowledge

NM_001429.4(EP300):c.1906A>G (p.Lys636Glu)

Gene: EP300 (EP300 lysine acetyltransferase; plus strand). Cytogenetic location: 22q13.2.
Variant type: single nucleotide variant.
Coding change: c.1906A>G on transcript NM_001429.4 (MANE Select); coding-DNA position 1906, A replaced by G.
Protein change: p.Lys636Glu; replaces lysine 636 with glutamic acid.
Molecular consequence: missense variant.
Genome position (GRCh38, 1-based): chr22:41,141,075, A>G. VCF-style: chr22-41141075-A-G. GRCh37 (hg19) VCF-style: chr22-41537079-A-G.
Other names: c.1906A>G, p.Lys636Glu (NM_001362843.2); short protein forms K636E.
Identifiers: ClinVar variation 5009179 (VCV005009179.1).